The following is an entry in ClinVar:

NM_022455.5(NSD1):c.7810G>A (p.Gly2604Arg)

Gene: NSD1 (nuclear receptor binding SET domain protein 1; plus strand). Cytogenetic location: 5q35.3.
Variant type: single nucleotide variant.
Coding change: c.7810G>A on transcript NM_022455.5 (MANE Select); coding-DNA position 7810, G replaced by A.
Protein change: p.Gly2604Arg; replaces glycine 2604 with arginine.
Molecular consequence: missense variant.
Genome position (GRCh38, 1-based): chr5:177,295,178, G>A. VCF-style: chr5-177295178-G-A. GRCh37 (hg19) VCF-style: chr5-176722179-G-A.
Other names: c.6937G>A, p.Gly2313Arg (NM_001365684.2, NM_001409308.1, NM_172349.5); c.7810G>A, p.Gly2604Arg (NM_001409301.1, NM_001409302.1, NM_001409303.1); c.7390G>A, p.Gly2464Arg (NM_001409304.1); c.7057G>A, p.Gly2353Arg (NM_001409305.1); c.7048G>A, p.Gly2350Arg (NM_001409306.1, NM_001409307.1); c.6688G>A, p.Gly2230Arg (NM_001409309.1); short protein forms G2230R, G2335R, G2353R, G2464R, G2604R, G2313R, G2350R.
Identifiers: ClinVar variation 2167529 (VCV002167529.5), dbSNP rs772882533, ClinGen allele CA3578188.

ClinVar aggregate classification (germline): Likely benign. Review status: criteria provided, multiple submitters, no conflicts (2 of 4 stars). 2 submissions from 2 submitters: Likely benign (2). Last evaluated 2026-09-01.

Allele frequency attached by ClinVar (database versions not stated): gnomAD exomes below 0.00001; TOPMed below 0.00001; ExAC 0.00002; gnomAD 0.00002.
gnomAD v4.1: 9 of 1,614,056 alleles (0.00056%); highest among the groups gnomAD compares: Non-Finnish European, 0.00059%; no homozygotes.

Submissions (2):

CeGaT Center for Human Genetics Tuebingen
Classification: Likely benign. Last evaluated: 2026-09-01. Review status: criteria provided, single submitter. Criteria: CeGaT Center For Human Genetics Tuebingen Variant Classification Criteria Version 2. Collection method: clinical testing. Allele origin: germline. Affected: yes. Observed: 1 variant allele.
Comment: NSD1: BS2

Labcorp Genetics (formerly Invitae), Labcorp
Classification: Likely benign. Last evaluated: 2022-10-25. Review status: criteria provided, single submitter. Criteria: Invitae Variant Classification Sherloc (09022015). Collection method: clinical testing. Allele origin: germline.